The following is an entry in ClinVar:

NM_170707.4(LMNA):c.1158-46G>A

Gene: LMNA (lamin A/C; plus strand). Cytogenetic location: 1q22.
Variant type: single nucleotide variant.
Coding change: c.1158-46G>A on transcript NM_170707.4 (MANE Select); 46 bases into the intron before coding-DNA position 1158, G replaced by A.
Molecular consequence: intron variant.
Genome position (GRCh38, 1-based): chr1:156,136,168, G>A. VCF-style: chr1-156136168-G-A. GRCh37 (hg19) VCF-style: chr1-156105959-G-A.
Other names: c.1158-46G>A (NM_170707.3, NM_001406983.1, NM_001282625.2 and 7 more transcripts); c.600-46G>A (NM_001407002.1, NM_001406993.1, NM_001407003.1 and 4 more transcripts); c.534-46G>A (NM_001406999.1, NM_001407000.1, NM_001406994.1 and 1 more transcripts); c.915-46G>A (NM_001406986.1, NM_001406987.1, NM_001282624.2); c.822-46G>A (NM_001406989.1, NM_001257374.3, NM_001406998.1); c.861-46G>A (NM_001406988.1).
Identifiers: ClinVar variation 2708258 (VCV002708258.4), dbSNP rs556221578, ClinGen allele CA049262.

ClinVar aggregate classification (germline): Likely benign. Review status: criteria provided, multiple submitters, no conflicts (2 of 4 stars). 2 submissions from 2 submitters: Likely benign (2). Last evaluated 2025-12-18.

Conditions:
LMNA-related disorder. Also called: LMNA-related disorders; LMNA-related condition; LMNA-related disease. Identifiers: MedGen CN380145.
Charcot-Marie-Tooth disease type 2. Also called: Charcot-Marie-Tooth type 2. Identifiers: Orphanet 64746, MedGen C0270914, MONDO:0018993.

Allele frequency attached by ClinVar (database versions not stated): TOPMed 0.00001; gnomAD 0.00002; 1000 Genomes Project 30x 0.00031; 1000 Genomes Project 0.00040.
gnomAD v4.1: 30 of 1,612,450 alleles (0.0019%); highest among the groups gnomAD compares: Admixed American, 0.012%; no homozygotes.

Submissions (2):

PreventionGenetics, part of Exact Sciences
Classification: Likely benign for LMNA-related condition. Last evaluated: 2025-12-18. Review status: criteria provided, single submitter. Criteria: ACMG Guidelines, 2015. Collection method: clinical testing. Allele origin: germline.
Comment: This variant is classified as likely benign based on ACMG/AMP sequence variant interpretation guidelines (Richards et al. 2015 PMID: 25741868, with internal and published modifications).

Labcorp Genetics (formerly Invitae), Labcorp
Classification: Likely benign for Charcot-Marie-Tooth disease type 2. Last evaluated: 2024-10-09. Review status: criteria provided, single submitter. Criteria: Invitae Variant Classification Sherloc (09022015). Collection method: clinical testing. Allele origin: germline.